The following is an entry in ClinVar:

NM_000717.5(CA4):c.511G>A (p.Glu171Lys)

Gene: CA4 (carbonic anhydrase 4; plus strand). Cytogenetic location: 17q23.1.
Variant type: single nucleotide variant.
Coding change: c.511G>A on transcript NM_000717.5 (MANE Select); coding-DNA position 511, G replaced by A.
Protein change: p.Glu171Lys; replaces glutamic acid 171 with lysine.
Molecular consequence: missense variant. On other transcripts: non-coding transcript variant (1).
Genome position (GRCh38, 1-based): chr17:60,157,786, G>A. VCF-style: chr17-60157786-G-A. GRCh37 (hg19) VCF-style: chr17-58235147-G-A.
Other names: short protein forms E171K.
Identifiers: ClinVar variation 4767316 (VCV004767316.1).

ClinVar aggregate classification (germline): Uncertain significance (1 of 4 stars; one submission).

Submission:

Labcorp Genetics (formerly Invitae), Labcorp
Classification: Uncertain significance. Last evaluated: 2025-02-19. Review status: criteria provided, single submitter. Criteria: Invitae Variant Classification Sherloc (09022015). Collection method: clinical testing. Allele origin: germline.
Comment: This sequence change replaces glutamic acid, which is acidic and polar, with lysine, which is basic and polar, at codon 171 of the CA4 protein (p.Glu171Lys). This variant is not present in population databases (gnomAD no frequency). This variant has not been reported in the literature in individuals affected with CA4-related conditions. An algorithm developed to predict the effect of missense changes on protein structure and function outputs the following: PolyPhen-2: "Benign". The lysine amino acid residue is found in multiple mammalian species, which suggests that this missense change does not adversely affect protein function. In summary, the available evidence is currently insufficient to determine the role of this variant in disease. Therefore, it has been classified as a Variant of Uncertain Significance.